The following is an entry in ClinVar:

ClinVar aggregate classification (germline): Uncertain significance (1 of 4 stars; one submission).

Conditions:
PLXNA3-related disorder. Also called: PLXNA3-related condition.

gnomAD v4.1: 138 of 1,208,931 alleles (0.011%); highest among the groups gnomAD compares: Non-Finnish European, 0.015%; no homozygotes.

Submission:

PreventionGenetics, part of Exact Sciences
Classification: Uncertain significance for PLXNA3-related condition. Last evaluated: 2025-09-02. Review status: criteria provided, single submitter. Criteria: ACMG Guidelines, 2015. Collection method: clinical testing. Allele origin: germline.
Comment: The PLXNA3 c.2411A>G variant is predicted to result in the amino acid substitution p.Asn804Ser. To our knowledge, this variant has not been reported in the literature. This variant is reported in 0.0099% of alleles in individuals of European (Non-Finnish) descent in gnomAD. At this time, the clinical significance of this variant is uncertain due to the absence of conclusive functional and genetic evidence.

NM_017514.5(PLXNA3):c.2411A>G (p.Asn804Ser)

Gene: PLXNA3 (plexin A3; plus strand). Cytogenetic location: Xq28.
Variant type: single nucleotide variant.
Coding change: c.2411A>G on transcript NM_017514.5 (MANE Select); coding-DNA position 2411, A replaced by G.
Protein change: p.Asn804Ser; replaces asparagine 804 with serine.
Molecular consequence: missense variant.
Genome position (GRCh38, 1-based): chrX:154,465,726, A>G. VCF-style: chrX-154465726-A-G. GRCh37 (hg19) VCF-style: chrX-153694069-A-G.
Other names: short protein forms N804S.
Identifiers: ClinVar variation 4977041 (VCV004977041.1).